The following is an entry in ClinVar:

NM_007129.5(ZIC2):c.37G>C (p.Gly13Arg)

Gene: ZIC2 (Zic family member 2; plus strand). Cytogenetic location: 13q32.3.
Variant type: single nucleotide variant.
Coding change: c.37G>C on transcript NM_007129.5 (MANE Select); coding-DNA position 37, G replaced by C.
Protein change: p.Gly13Arg; replaces glycine 13 with arginine.
Molecular consequence: missense variant.
Genome position (GRCh38, 1-based): chr13:99,982,101, G>C. VCF-style: chr13-99982101-G-C. GRCh37 (hg19) VCF-style: chr13-100634355-G-C.
Other names: short protein forms G13R.
Identifiers: ClinVar variation 450654 (VCV000450654.2), dbSNP rs1555332153, ClinGen allele CA388636419.
Genomic context (GRCh38, chr13:99,982,101, plus strand): 5'-CAGGGGCGGGCGGGCGCGCTGGCCATGCTCCTGGACGCGGGTCCGCAGTTCCCGGCCATC[G>C]GGGTGGGCAGCTTCGCGCGCCACCATCACCACTCCGCCGCGGCGGCGGCGGCGGCTGCCG-3'
Protein context (NP_009060.2, residues 3-23): LDAGPQFPAI[Gly13Arg]VGSFARHHHH

ClinVar aggregate classification (germline): Uncertain significance (1 of 4 stars; one submission).

Submission:

GeneDx
Classification: Uncertain significance. Last evaluated: 2017-07-19. Review status: criteria provided, single submitter. Criteria: GeneDx Variant Classification (06012015). Collection method: clinical testing. Allele origin: germline. Affected: yes.
Comment: A variant of uncertain significance has been identified in the ZIC2 gene. The G13R variant has not been published as a pathogenic variant, nor has it been reported as a benign variant to our knowledge. Adequate data is not available in large population cohorts to assess the frequency of this variant in publicly available databases; however, this variant has not been detected at a significant frequency in presumably healthy individuals tested at GeneDx (Lek et al., 2016; 1000 Genomes Consortium et al., 2015; Exome Variant Server). The G13R variant is a non-conservative amino acid substitution, which is likely to impact secondary protein structure as these residues differ in polarity, charge, size and/or other properties. This substitution occurs at a position that is conserved in mammals. In silico analysis is inconsistent in its predictions as to whether or not the variant is damaging to the protein structure/function. Therefore, based on the currently available information, it is unclear whether this variant is a pathogenic variant or a rare benign variant.